The following is an entry in ClinVar:

NM_172369.5(C1QC):c.580G>A (p.Gly194Ser)

Gene: C1QC (complement C1q C chain; plus strand). Cytogenetic location: 1p36.12.
Variant type: single nucleotide variant.
Coding change: c.580G>A on transcript NM_172369.5 (MANE Select); coding-DNA position 580, G replaced by A.
Protein change: p.Gly194Ser; replaces glycine 194 with serine.
Molecular consequence: missense variant.
Genome position (GRCh38, 1-based): chr1:22,647,625, G>A. VCF-style: chr1-22647625-G-A. GRCh37 (hg19) VCF-style: chr1-22974118-G-A.
Other names: c.580G>A, p.Gly194Ser (NM_001114101.3, NM_001347619.2); c.313G>A, p.Gly105Ser (NM_001347620.2); short protein forms G105S, G194S.
Identifiers: ClinVar variation 1507644 (VCV001507644.8), dbSNP rs2148297525, ClinGen allele CA338938228.
Genomic context (GRCh38, chr1:22,647,625, plus strand): 5'-CATACAGCCAACCTGTGCGTGCTGCTGTACCGCAGCGGCGTCAAAGTGGTCACCTTCTGT[G>A]GCCACACGTCCAAAACCAATCAGGTCAACTCGGGCGGTGTGCTGCTGAGGTTGCAGGTGG-3'
Protein context (NP_758957.2, residues 184-204): RSGVKVVTFC[Gly194Ser]HTSKTNQVNS

ClinVar aggregate classification (germline): Uncertain significance (1 of 4 stars; one submission).

gnomAD v4.1: 1 of 1,614,114 alleles (0.000062%); highest among the groups gnomAD compares: Non-Finnish European, 0.000085%; no homozygotes.

Submission:

Labcorp Genetics (formerly Invitae), Labcorp
Classification: Uncertain significance. Last evaluated: 2022-09-27. Review status: criteria provided, single submitter. Criteria: Invitae Variant Classification Sherloc (09022015). Collection method: clinical testing. Allele origin: germline.
Comment: This sequence change replaces glycine, which is neutral and non-polar, with serine, which is neutral and polar, at codon 194 of the C1QC protein (p.Gly194Ser). Algorithms developed to predict the effect of missense changes on protein structure and function (SIFT, PolyPhen-2, Align-GVGD) all suggest that this variant is likely to be tolerated. Algorithms developed to predict the effect of sequence changes on RNA splicing suggest that this variant may create or strengthen a splice site. In summary, the available evidence is currently insufficient to determine the role of this variant in disease. Therefore, it has been classified as a Variant of Uncertain Significance. ClinVar contains an entry for this variant (Variation ID: 1507644). This variant is not present in population databases (gnomAD no frequency). This variant has not been reported in the literature in individuals affected with C1QC-related conditions.